The following is an entry in ClinVar:

NM_004187.5(KDM5C):c.3845_3846del (p.Thr1282fs)

Gene: KDM5C (lysine demethylase 5C; minus strand). Cytogenetic location: Xp11.22.
Variant type: Microsatellite.
Coding change: c.3845_3846del on transcript NM_004187.5 (MANE Select); coding-DNA positions 3845 to 3846, 2 bases deleted (CA; older notation c.3845_3846delCA).
Protein change: p.Thr1282fs; shifts the reading frame from threonine 1282.
Molecular consequence: frameshift variant. On other transcripts: non-coding transcript variant (3).
Genome position (GRCh38, 1-based): chrX:53,194,331-53,194,332, TG deleted on the plus strand (CA on the coding strand, the reverse complement: KDM5C is on the minus strand); deleting any 2 consecutive bases within chrX:53,194,331-53,194,334 gives the same sequence; the c. name uses the placement nearest the transcript's 3' end. VCF-style (leftmost placement, unchanged base first): chrX-53194330-CTG-C. GRCh37 (hg19) VCF-style: chrX-53223512-CTG-C.
Other names: c.3644_3645del, p.Thr1215fs (NM_001146702.2); c.3842_3843del, p.Thr1281fs (NM_001282622.3, NM_001353979.2, NM_001353982.2); c.3845_3846del, p.Thr1282fs (NM_001353978.3, NM_001353981.2, NM_001353984.2); short protein forms T1282fs, T1215fs, T1281fs.
Identifiers: ClinVar variation 3024093 (VCV003024093.2), dbSNP rs2519373425, ClinGen allele CA2740092154.
Genomic context (GRCh38, chrX:53,194,330, plus strand): 5'-CAGTCACATCTTCAGAGGCCAGAGCCTGCCTGGCGCGGCCTTGCCAGCTGATGGCCCTCT[CTG>C]TGAGGCACTGCAGGGCCTCGCCCTCGGGCAGCCGCACAGGCAGTCTCTGCAGGGCTACCA-3'

ClinVar aggregate classification (germline): Likely pathogenic (1 of 4 stars; one submission).

Conditions:
Intellectual developmental disorder, X-linked, syndromic, Claes-Jensen type. Also called: INTELLECTUAL DEVELOPMENTAL DISORDER, X-LINKED, SYNDROMIC 16; MENTAL RETARDATION, X-LINKED, SYNDROMIC 16; Syndromic X-linked intellectual disability Claes-Jensen type. Identifiers: Orphanet 85279, MedGen C1845243, MONDO:0010355, OMIM 300534.

Submission:

Center for Human Genetics and Genomic Medicine, Uniklinik Rwth Aachen
Classification: Likely pathogenic for Intellectual developmental disorder, X-linked, syndromic, Claes-Jensen type. Last evaluated: 2024-01-22. Review status: criteria provided, single submitter. Criteria: ACMG Guidelines, 2015. Collection method: clinical testing. Allele origin: unknown. Inheritance: X-linked inheritance. Affected: yes. Observed: 1 hemizygote.
Comment: The detected change is not reported in the general population (gnomAD) (as of January 22, 2024). It has not yet been described in the ClinVar database or in the literature. The variant leads to a frame shift with a subsequent stop codon. This usually leads to either premature termination of translation or a so-called “nonsense-mediated mRNA decay”. In both cases there is a loss of function of the protein. Intolerance to haploinsufficiency has been described as the pathomechanism for the gene under investigation. It is therefore very likely that it has a pathogenetic relevance. The variant is currently considered a “likely pathogenic variant” (ACMG criteria).